The following is an entry in ClinVar:

ClinVar aggregate classification (germline): Uncertain significance (1 of 4 stars; one submission).

Conditions:
Idiopathic generalized epilepsy. Also called: Generalised epilepsy; EIG. Identifiers: MedGen C0270850, MONDO:0005579, OMIM 600669.

Submission:

Labcorp Genetics (formerly Invitae), Labcorp
Classification: Uncertain significance for Idiopathic generalized epilepsy. Last evaluated: 2022-07-05. Review status: criteria provided, single submitter. Criteria: Invitae Variant Classification Sherloc (09022015). Collection method: clinical testing. Allele origin: germline.
Comment: Algorithms developed to predict the effect of missense changes on protein structure and function (SIFT, PolyPhen-2, Align-GVGD) all suggest that this variant is likely to be disruptive. In summary, the available evidence is currently insufficient to determine the role of this variant in disease. Therefore, it has been classified as a Variant of Uncertain Significance. This variant has not been reported in the literature in individuals affected with RBFOX3-related conditions. This sequence change replaces tyrosine, which is neutral and polar, with cysteine, which is neutral and slightly polar, at codon 213 of the RBFOX3 protein (p.Tyr213Cys). This variant is not present in population databases (gnomAD no frequency).

NM_001350451.2(RBFOX3):c.638A>G (p.Tyr213Cys)

Gene: RBFOX3 (RNA binding fox-1 homolog 3; minus strand). Cytogenetic location: 17q25.3.
Variant type: single nucleotide variant.
Coding change: c.638A>G on transcript NM_001350451.2 (MANE Select); coding-DNA position 638, A replaced by G.
Protein change: p.Tyr213Cys; replaces tyrosine 213 with cysteine.
Molecular consequence: missense variant.
Genome position (GRCh38, 1-based): chr17:79,097,409, T>C on the plus strand (A>G on the coding strand, the complement: RBFOX3 is on the minus strand). VCF-style: chr17-79097409-T-C. GRCh37 (hg19) VCF-style: chr17-77093491-T-C.
Other names: c.638A>G, p.Tyr213Cys (NM_001082575.3, NM_001350453.2, NM_001385804.1 and 33 more transcripts); c.635A>G, p.Tyr212Cys (NM_001385806.1, NM_001385822.1, NM_001385823.1 and 4 more transcripts); c.545A>G, p.Tyr182Cys (NM_001385824.1); c.659A>G, p.Tyr220Cys (NM_001385827.1); c.491A>G, p.Tyr164Cys (NM_001385847.1); short protein forms Y164C, Y182C, Y212C, Y213C, Y220C.
Identifiers: ClinVar variation 2413216 (VCV002413216.6), dbSNP rs2510120143, ClinGen allele CA401316585.